The following is an entry in ClinVar:

NM_014874.4(MFN2):c.2213C>T (p.Ala738Val)

Gene: MFN2 (mitofusin 2; plus strand). Cytogenetic location: 1p36.22.
Variant type: single nucleotide variant.
Coding change: c.2213C>T on transcript NM_014874.4 (MANE Select); coding-DNA position 2213, C replaced by T.
Protein change: p.Ala738Val; replaces alanine 738 with valine.
Molecular consequence: missense variant.
Genome position (GRCh38, 1-based): chr1:12,011,504, C>T. VCF-style: chr1-12011504-C-T. GRCh37 (hg19) VCF-style: chr1-12071561-C-T.
Other names: chr1-12011504-C-T; p.Ala738Val; c.2213C>T, p.Ala738Val (NM_001127660.2); short protein forms A738V.
Identifiers: ClinVar variation 637283 (VCV000637283.10), dbSNP rs1569889919, ClinGen allele CA338453832.
Genomic context (GRCh38, chr1:12,011,504, plus strand): 5'-AATACTGCCTATCATCAGCTATCATGGTTACAAAAGAACCATTTCTTTGCAGGAATAAAG[C>T]CGGTTGGTTGGACAGTGAGCTCAACATGTTCACACACCAGTACCTGCAGCCCAGCAGATA-3'
Protein context (NP_055689.1, residues 728-748): QSKAKLLRNK[Ala738Val]GWLDSELNMF

ClinVar aggregate classification (germline): Pathogenic/Likely pathogenic. Review status: criteria provided, multiple submitters, no conflicts (2 of 4 stars). 5 submissions from 5 submitters: Pathogenic (3); Likely pathogenic (1). 1 of the submissions does not count toward it. Last evaluated 2021-08-11.

Conditions:
Charcot-Marie-Tooth disease. Also called: Charcot-Marie-Tooth Neuropathy; Charcot-Marie-Tooth Hereditary Neuropathy. Identifiers: Orphanet 166, MedGen C0007959, MONDO:0015626.
Charcot-Marie-Tooth disease type 2A2. Also called: Charcot-Marie-Tooth Neuropathy Type 2A2; CHARCOT-MARIE-TOOTH DISEASE, AXONAL, AUTOSOMAL DOMINANT, TYPE 2A2A; CHARCOT-MARIE-TOOTH DISEASE, AXONAL, TYPE 2A2; CHARCOT-MARIE-TOOTH DISEASE, NEURONAL, TYPE 2A2; HEREDITARY MOTOR AND SENSORY NEUROPATHY IIA2; HMSN IIA2. Identifiers: Orphanet 99947, MedGen C4721887, MONDO:0012231, OMIM 609260.
Charcot-Marie-Tooth disease type 2. Also called: Charcot-Marie-Tooth type 2. Identifiers: Orphanet 64746, MedGen C0270914, MONDO:0018993.

Submissions (5):

Labcorp Genetics (formerly Invitae), Labcorp
Classification: Pathogenic for Charcot-Marie-Tooth disease type 2. Last evaluated: 2021-08-11. Review status: criteria provided, single submitter. Criteria: Invitae Variant Classification Sherloc (09022015). Collection method: clinical testing. Allele origin: germline.
Comment: This missense change has been observed in individuals with autosomal dominant Charcot-Marie-Tooth disease (PMID: 21149811, 21601224, 24819634). This variant is not present in population databases (ExAC no frequency). This sequence change replaces alanine with valine at codon 738 of the MFN2 protein (p.Ala738Val). The alanine residue is highly conserved and there is a small physicochemical difference between alanine and valine. ClinVar contains an entry for this variant (Variation ID: 637283). For these reasons, this variant has been classified as Pathogenic. Advanced modeling of protein sequence and biophysical properties (such as structural, functional, and spatial information, amino acid conservation, physicochemical variation, residue mobility, and thermodynamic stability) performed at Invitae indicates that this missense variant is expected to disrupt MFN2 protein function.

Laboratório de Neurologia Aplicada e Experimental, Faculdade de Medicina de Ribeirao Preto – Universidade de Sao Paulo
Classification: Pathogenic for Charcot-Marie-Tooth disease type 2A2. Last evaluated: 2021-07-20. Review status: criteria provided, single submitter. Criteria: ACMG Guidelines, 2015. Collection method: research. Allele origin: germline. Inheritance: Autosomal dominant inheritance. Affected: yes. Observed: 1 heterozygote.

Cambridge Genomics Laboratory, East Genomic Laboratory Hub, NHS Genomic Medicine Service
Classification: Likely pathogenic for Charcot-Marie-Tooth disease. Last evaluated: 2019-06-21. Review status: criteria provided, single submitter. Criteria: ACGS Best Practice Guidelines for Variant Classification in Rare Disease 2020. Collection method: clinical testing. Allele origin: germline. Affected: yes. Observed: 1 variant allele.

Clinical Genetics Service, Universitary Hospital 12 de Octubre
Classification: Pathogenic for Charcot-Marie-Tooth disease type 2A2. Review status: criteria provided, single submitter. Criteria: ACMG Guidelines, 2015. Collection method: clinical testing. Allele origin: de novo. Affected: yes.

Inherited Neuropathy Consortium
Classification: Uncertain significance for Charcot-Marie-Tooth disease. Review status: no assertion criteria provided. Collection method: literature only. Allele origin: germline. Affected: yes. Not counted in ClinVar's aggregate classification.

Literature cited by the submitters: PubMed 21149811 (cited by 3 submitters); PubMed 21601224 (cited by Labcorp Genetics (formerly Invitae), Labcorp and Laboratório de Neurologia Aplicada e Experimental, Faculdade de Medicina de Ribeirao Preto – Universidade de Sao Paulo); PubMed 24819634 (cited by Labcorp Genetics (formerly Invitae), Labcorp).